The following is an entry in ClinVar:

ClinVar aggregate classification (germline): not provided (0 of 4 stars; one submission).

Conditions:
Uterine leiomyoma (UL). Also called: Uterine corpus leiomyoma. Identifiers: MedGen C0042133, MONDO:0007886, OMIM 150699, HP:0000131.

Submission:

Rajkovic Lab, University of Pittsburgh
No classification provided. Condition: Leiomyoma, uterine. Review status: no classification provided. Collection method: not provided. Allele origin: somatic.
ClinVar note: Converted during submission from Associated with leiomyomas to not provided.

NM_005120.3(MED12):c.118_132del (p.Asn40_Gly44del)

Gene: MED12 (mediator complex subunit 12; plus strand). Cytogenetic location: Xq13.1.
Variant type: Deletion.
Coding change: c.118_132del on transcript NM_005120.3 (MANE Select); coding-DNA positions 118 to 132, 15 bases deleted (AATGTAAAACAAGGT).
Protein change: p.Asn40_Gly44del.
Molecular consequence: inframe deletion.
Genome position (GRCh38, 1-based): chrX:71,119,391-71,119,405, AATGTAAAACAAGGT deleted. VCF-style (leftmost placement, unchanged base first): chrX-71119390-GAATGTAAAACAAGGT-G. GRCh37 (hg19) VCF-style: chrX-70339240-GAATGTAAAACAAGGT-G.
Identifiers: ClinVar variation 92206 (VCV000092206.2), dbSNP rs199469684, ClinGen allele CA145541.